The following is an entry in ClinVar:

ClinVar aggregate classification (germline): Likely benign. Review status: criteria provided, multiple submitters, no conflicts (2 of 4 stars). 2 submissions from 2 submitters: Likely benign (2). Last evaluated 2026-02-03.

Conditions:
ALPK3-related disorder. Also called: ALPK3-related condition.
Cardiovascular phenotype. Identifiers: MedGen CN230736.

Allele frequency attached by ClinVar (database versions not stated): gnomAD exomes below 0.00001.
gnomAD v4.1: 2 of 1,614,192 alleles (0.00012%); highest among the groups gnomAD compares: East Asian, 0.0022%; no homozygotes.

Submissions (2):

PreventionGenetics, part of Exact Sciences
Classification: Likely benign for ALPK3-related condition. Last evaluated: 2026-02-03. Review status: criteria provided, single submitter. Criteria: ACMG Guidelines, 2015. Collection method: clinical testing. Allele origin: germline.
Comment: This variant is classified as likely benign based on ACMG/AMP sequence variant interpretation guidelines (Richards et al. 2015 PMID: 25741868, with internal and published modifications).

Ambry Genetics
Classification: Likely benign for Cardiovascular phenotype. Last evaluated: 2019-10-20. Review status: criteria provided, single submitter. Criteria: Ambry Variant Classification Scheme 2023. Collection method: clinical testing. Allele origin: germline.

NM_020778.5(ALPK3):c.4581G>A (p.Leu1527=)

Gene: ALPK3 (alpha kinase 3; plus strand). Cytogenetic location: 15q25.3.
Variant type: single nucleotide variant.
Coding change: c.4581G>A on transcript NM_020778.5 (MANE Select); coding-DNA position 4581, G replaced by A.
Protein change: p.Leu1527=; no amino-acid change (leucine 1527 retained).
Molecular consequence: synonymous variant.
Genome position (GRCh38, 1-based): chr15:84,864,523, G>A. VCF-style: chr15-84864523-G-A. GRCh37 (hg19) VCF-style: chr15-85407754-G-A.
Identifiers: ClinVar variation 1745887 (VCV001745887.3), dbSNP rs2505729675, ClinGen allele CA492011118.